The following is an entry in ClinVar:

NM_018136.5(ASPM):c.4368G>A (p.Trp1456Ter)

Gene: ASPM (assembly factor for spindle microtubules; minus strand). Cytogenetic location: 1q31.3.
Variant type: single nucleotide variant.
Coding change: c.4368G>A on transcript NM_018136.5 (MANE Select); coding-DNA position 4368, G replaced by A.
Protein change: p.Trp1456Ter; replaces tryptophan 1456 with a stop codon.
Molecular consequence: nonsense. On other transcripts: intron variant (1).
Genome position (GRCh38, 1-based): chr1:197,104,883, C>T on the plus strand (G>A on the coding strand, the complement: ASPM is on the minus strand). VCF-style: chr1-197104883-C-T. GRCh37 (hg19) VCF-style: chr1-197074013-C-T.
Other names: c.4066-8719G>A (NM_001206846.2); short protein forms W1456*.
Identifiers: ClinVar variation 4056334 (VCV004056334.2).

ClinVar aggregate classification (germline): Pathogenic (1 of 4 stars; one submission).

Conditions:
Microcephaly 5, primary, autosomal recessive (MCPH5). Also called: ASPM Primary Microcephaly. Identifiers: Orphanet 2512, MedGen C1837501, MONDO:0012106, OMIM 608716.

gnomAD v4.1: 1 of 1,607,082 alleles (0.000062%); highest among the groups gnomAD compares: Non-Finnish European, 0.000085%; no homozygotes.

Submission:

Institute of Human Genetics, University of Leipzig Medical Center
Classification: Pathogenic for Microcephaly 5, primary, autosomal recessive. Last evaluated: 2025-06-24. Review status: criteria provided, single submitter. Criteria: ACMG Guidelines, 2015. Collection method: clinical testing. Allele origin: paternal. Inheritance: Autosomal recessive inheritance. Affected: yes.
Comment: Criteria applied: PVS1,PM2; Identified as compund heterozygous with NM_018136.5:c.9324del